The following is an entry in ClinVar:

NM_020247.5(COQ8A):c.515G>A (p.Gly172Asp)

Gene: COQ8A (coenzyme Q8A; plus strand). Cytogenetic location: 1q42.13.
Variant type: single nucleotide variant.
Coding change: c.515G>A on transcript NM_020247.5 (MANE Select); coding-DNA position 515, G replaced by A.
Protein change: p.Gly172Asp; replaces glycine 172 with aspartic acid.
Molecular consequence: missense variant.
Genome position (GRCh38, 1-based): chr1:226,965,337, G>A. VCF-style: chr1-226965337-G-A. GRCh37 (hg19) VCF-style: chr1-227153038-G-A.
Other names: c.515G>A (NM_020247.4); short protein forms G172D.
Identifiers: ClinVar variation 1926042 (VCV001926042.3), dbSNP rs1419689649, ClinGen allele CA345050513.

ClinVar aggregate classification (germline): Uncertain significance. Review status: criteria provided, multiple submitters, no conflicts (2 of 4 stars). 2 submissions from 2 submitters: Uncertain significance (2). Last evaluated 2025-04-02.

gnomAD v4.1: 2 of 1,613,146 alleles (0.00012%); highest among the groups gnomAD compares: Non-Finnish European, 0.00017%; no homozygotes.

Submissions (2):

Athena Diagnostics
Classification: Uncertain significance. Last evaluated: 2025-04-02. Review status: criteria provided, single submitter. Criteria: Athena Diagnostics Criteria. Collection method: clinical testing. Allele origin: unknown.
Comment: Available data are insufficient to determine the clinical significance of the variant at this time. The frequency of this variant in the general population is uninformative in assessment of its pathogenicity. Polyphen and MutationTaster yielded discordant predictions regarding whether this amino acid change is damaging to the protein.

Labcorp Genetics (formerly Invitae), Labcorp
Classification: Uncertain significance. Last evaluated: 2022-03-23. Review status: criteria provided, single submitter. Criteria: Invitae Variant Classification Sherloc (09022015). Collection method: clinical testing. Allele origin: germline.
Comment: This sequence change replaces glycine, which is neutral and non-polar, with aspartic acid, which is acidic and polar, at codon 172 of the COQ8A protein (p.Gly172Asp). This variant is not present in population databases (gnomAD no frequency). This variant has not been reported in the literature in individuals affected with COQ8A-related conditions. Advanced modeling of protein sequence and biophysical properties (such as structural, functional, and spatial information, amino acid conservation, physicochemical variation, residue mobility, and thermodynamic stability) performed at Invitae indicates that this missense variant is expected to disrupt COQ8A protein function. In summary, the available evidence is currently insufficient to determine the role of this variant in disease. Therefore, it has been classified as a Variant of Uncertain Significance.